The following is an entry in ClinVar:

NM_000081.4(LYST):c.4876A>C (p.Thr1626Pro)

Gene: LYST (lysosomal trafficking regulator; minus strand). Cytogenetic location: 1q42.3.
Variant type: single nucleotide variant.
Coding change: c.4876A>C on transcript NM_000081.4 (MANE Select); coding-DNA position 4876, A replaced by C.
Protein change: p.Thr1626Pro; replaces threonine 1626 with proline.
Molecular consequence: missense variant.
Genome position (GRCh38, 1-based): chr1:235,782,074, T>G on the plus strand (A>C on the coding strand, the complement: LYST is on the minus strand). VCF-style: chr1-235782074-T-G. GRCh37 (hg19) VCF-style: chr1-235945374-T-G.
Other names: c.4876A>C, p.Thr1626Pro (NM_001301365.1); short protein forms T1626P.
Identifiers: ClinVar variation 1450523 (VCV001450523.3), dbSNP rs917766927, ClinGen allele CA39624385.

ClinVar aggregate classification (germline): Uncertain significance (1 of 4 stars; one submission).

Conditions:
Chédiak-Higashi syndrome (CHS). Also called: Chediak-Higashi Syndrome. Identifiers: Orphanet 167, MedGen C0007965, MONDO:0008963, OMIM 214500.

Allele frequency attached by ClinVar (database versions not stated): gnomAD exomes below 0.00001; gnomAD 0.00001; TOPMed 0.00002.
gnomAD v4.1: 3 of 1,612,618 alleles (0.00019%); highest among the groups gnomAD compares: Non-Finnish European, 0.00025%; no homozygotes.

Submission:

Labcorp Genetics (formerly Invitae), Labcorp
Classification: Uncertain significance for Chédiak-Higashi syndrome. Last evaluated: 2022-08-19. Review status: criteria provided, single submitter. Criteria: Invitae Variant Classification Sherloc (09022015). Collection method: clinical testing. Allele origin: germline.
Comment: This sequence change replaces threonine, which is neutral and polar, with proline, which is neutral and non-polar, at codon 1626 of the LYST protein (p.Thr1626Pro). This variant is not present in population databases (gnomAD no frequency). This variant has not been reported in the literature in individuals affected with LYST-related conditions. ClinVar contains an entry for this variant (Variation ID: 1450523). Algorithms developed to predict the effect of missense changes on protein structure and function output the following: SIFT: "Tolerated"; PolyPhen-2: "Benign"; Align-GVGD: "Class C0". The proline amino acid residue is found in multiple mammalian species, which suggests that this missense change does not adversely affect protein function. In summary, the available evidence is currently insufficient to determine the role of this variant in disease. Therefore, it has been classified as a Variant of Uncertain Significance.